The following is an entry in ClinVar:

ClinVar aggregate classification (germline): Likely benign (1 of 4 stars; one submission).

Allele frequency attached by ClinVar (database versions not stated): gnomAD exomes 0.00001; ExAC 0.00002.
gnomAD v4.1: 12 of 1,614,154 alleles (0.00074%); highest among the groups gnomAD compares: East Asian, 0.0022%; no homozygotes.

Submission:

CeGaT Center for Human Genetics Tuebingen
Classification: Likely benign. Last evaluated: 2023-06-01. Review status: criteria provided, single submitter. Criteria: CeGaT Center For Human Genetics Tuebingen Variant Classification Criteria Version 2. Collection method: clinical testing. Allele origin: germline. Affected: yes. Observed: 1 variant allele.
Comment: CNOT1: PP2, BS2

NM_016284.5(CNOT1):c.6005A>G (p.Asn2002Ser)

Gene: CNOT1 (CCR4-NOT transcription complex subunit 1; minus strand). Cytogenetic location: 16q21.
Variant type: single nucleotide variant.
Coding change: c.6005A>G on transcript NM_016284.5 (MANE Select); coding-DNA position 6005, A replaced by G.
Protein change: p.Asn2002Ser; replaces asparagine 2002 with serine.
Molecular consequence: missense variant. On other transcripts: non-coding transcript variant (1).
Genome position (GRCh38, 1-based): chr16:58,532,286, T>C on the plus strand (A>G on the coding strand, the complement: CNOT1 is on the minus strand). VCF-style: chr16-58532286-T-C. GRCh37 (hg19) VCF-style: chr16-58566190-T-C.
Other names: c.5990A>G, p.Asn1997Ser (NM_001265612.2); short protein forms N1997S, N2002S.
Identifiers: ClinVar variation 2570944 (VCV002570944.27), dbSNP rs779992769, ClinGen allele CA8088794.
Genomic context (GRCh38, chr16:58,532,286, plus strand): 5'-ACTCACCAGAAAGCTGTAAGTGTCTGGAAATTAATGGTTTCCAACACATGCTCAGGTGCA[T>C]TGAGTTCCAAGAGAAGCATGATAAAAATTCGATGGTAGGGAAGTTGCTGAAATTCACTCT-3'
Protein context (NP_057368.3, residues 1992-2012): RIFIMLLLEL[Asn2002Ser]APEHVLETIN